The following is an entry in ClinVar:

NM_000426.4(LAMA2):c.5267A>T (p.Lys1756Met)

Gene: LAMA2 (laminin subunit alpha 2; plus strand). Cytogenetic location: 6q22.33.
Variant type: single nucleotide variant.
Coding change: c.5267A>T on transcript NM_000426.4 (MANE Select); coding-DNA position 5267, A replaced by T.
Protein change: p.Lys1756Met; replaces lysine 1756 with methionine.
Molecular consequence: missense variant.
Genome position (GRCh38, 1-based): chr6:129,393,077, A>T. VCF-style: chr6-129393077-A-T. GRCh37 (hg19) VCF-style: chr6-129714222-A-T.
Other names: c.5267A>T, p.Lys1756Met (NM_001079823.2); short protein forms K1756M.
Identifiers: ClinVar variation 1040482 (VCV001040482.9), dbSNP rs1210692884, ClinGen allele CA365614628.

ClinVar aggregate classification (germline): Uncertain significance (1 of 4 stars; one submission).

Conditions:
LAMA2-related muscular dystrophy (LAMA2-RD). Also called: Laminin alpha 2-related dystrophy. Identifiers: MedGen C5679788, MONDO:0100228.

Allele frequency attached by ClinVar (database versions not stated): gnomAD exomes below 0.00001.
gnomAD v4.1: 1 of 1,613,980 alleles (0.000062%); highest among the groups gnomAD compares: Non-Finnish European, 0.000085%; no homozygotes.

Submission:

Labcorp Genetics (formerly Invitae), Labcorp
Classification: Uncertain significance for LAMA2-related muscular dystrophy. Last evaluated: 2022-11-03. Review status: criteria provided, single submitter. Criteria: Invitae Variant Classification Sherloc (09022015). Collection method: clinical testing. Allele origin: germline.
Comment: This sequence change replaces lysine, which is basic and polar, with methionine, which is neutral and non-polar, at codon 1756 of the LAMA2 protein (p.Lys1756Met). In summary, the available evidence is currently insufficient to determine the role of this variant in disease. Therefore, it has been classified as a Variant of Uncertain Significance. Advanced modeling of protein sequence and biophysical properties (such as structural, functional, and spatial information, amino acid conservation, physicochemical variation, residue mobility, and thermodynamic stability) performed at Invitae indicates that this missense variant is not expected to disrupt LAMA2 protein function. ClinVar contains an entry for this variant (Variation ID: 1040482). This variant has not been reported in the literature in individuals affected with LAMA2-related conditions. This variant is present in population databases (no rsID available, gnomAD 0.0009%).